The following is an entry in ClinVar:

NM_021020.5(LZTS1):c.566G>C (p.Ser189Thr)

Gene: LZTS1 (leucine zipper tumor suppressor 1; minus strand). Cytogenetic location: 8p21.3.
Variant type: single nucleotide variant.
Coding change: c.566G>C on transcript NM_021020.5 (MANE Select); coding-DNA position 566, G replaced by C.
Protein change: p.Ser189Thr; replaces serine 189 with threonine.
Molecular consequence: missense variant.
Genome position (GRCh38, 1-based): chr8:20,253,365, C>G on the plus strand (G>C on the coding strand, the complement: LZTS1 is on the minus strand). VCF-style: chr8-20253365-C-G. GRCh37 (hg19) VCF-style: chr8-20110876-C-G.
Other names: c.566G>C, p.Ser189Thr (NM_001362884.2); short protein forms S189T.
Identifiers: ClinVar variation 4699046 (VCV004699046.1).
Genomic context (GRCh38, chr8:20,253,365, plus strand): 5'-GAGCCCCCAAAACGGCTTGTGGGTCCCACGGGTGTGACCAGCGGGTCCAGCTGGTAGCTG[C>G]TGCTGGTGCTGTGTGTGGGCAGGCTGGACATGGAGTTCCGGCCGGAGTCTGACAGCGCCC-3'
Protein context (NP_066300.1, residues 179-199): MSSLPTHSTS[Ser189Thr]SYQLDPLVTP

ClinVar aggregate classification (germline): Uncertain significance (1 of 4 stars; one submission).

gnomAD v4.1: 33 of 1,613,366 alleles (0.002%); highest among the groups gnomAD compares: Non-Finnish European, 0.0027%; no homozygotes.

Submission:

Labcorp Genetics (formerly Invitae), Labcorp
Classification: Uncertain significance. Last evaluated: 2025-04-07. Review status: criteria provided, single submitter. Criteria: Invitae Variant Classification Sherloc (09022015). Collection method: clinical testing. Allele origin: germline.
Comment: This sequence change replaces serine, which is neutral and polar, with threonine, which is neutral and polar, at codon 189 of the LZTS1 protein (p.Ser189Thr). This variant is present in population databases (rs763850283, gnomAD 0.007%). This variant has not been reported in the literature in individuals affected with LZTS1-related conditions. Invitae Evidence Modeling of protein sequence and biophysical properties (such as structural, functional, and spatial information, amino acid conservation, physicochemical variation, residue mobility, and thermodynamic stability) indicates that this missense variant is not expected to disrupt LZTS1 protein function with a negative predictive value of 80%. In summary, the available evidence is currently insufficient to determine the role of this variant in disease. Therefore, it has been classified as a Variant of Uncertain Significance.